The following is an entry in ClinVar:

ClinVar aggregate classification (germline): Uncertain significance (1 of 4 stars; one submission).

Conditions:
Congenital contractural arachnodactyly (CCA). Also called: Arthrogryposis, distal, type 9; BEALS SYNDROME; Beals-Hecht syndrome. Identifiers: Orphanet 115, MedGen C0220668, MONDO:0007363, OMIM 121050.

Allele frequency attached by ClinVar (database versions not stated): gnomAD exomes below 0.00001.
gnomAD v4.1: 2 of 1,613,990 alleles (0.00012%); highest among the groups gnomAD compares: Non-Finnish European, 0.00017%; no homozygotes.

Submission:

Labcorp Genetics (formerly Invitae), Labcorp
Classification: Uncertain significance for Congenital contractural arachnodactyly. Last evaluated: 2022-03-12. Review status: criteria provided, single submitter. Criteria: Invitae Variant Classification Sherloc (09022015). Collection method: clinical testing. Allele origin: germline.
Comment: In summary, the available evidence is currently insufficient to determine the role of this variant in disease. Therefore, it has been classified as a Variant of Uncertain Significance. Advanced modeling of protein sequence and biophysical properties (such as structural, functional, and spatial information, amino acid conservation, physicochemical variation, residue mobility, and thermodynamic stability) performed at Invitae indicates that this missense variant is not expected to disrupt FBN2 protein function. This variant has not been reported in the literature in individuals affected with FBN2-related conditions. This variant is not present in population databases (gnomAD no frequency). This sequence change replaces isoleucine, which is neutral and non-polar, with valine, which is neutral and non-polar, at codon 359 of the FBN2 protein (p.Ile359Val).

NM_001999.4(FBN2):c.1075A>G (p.Ile359Val)

Gene: FBN2 (fibrillin 2; minus strand). Cytogenetic location: 5q23.3.
Variant type: single nucleotide variant.
Coding change: c.1075A>G on transcript NM_001999.4 (MANE Select); coding-DNA position 1075, A replaced by G.
Protein change: p.Ile359Val; replaces isoleucine 359 with valine.
Molecular consequence: missense variant.
Genome position (GRCh38, 1-based): chr5:128,408,677, T>C on the plus strand (A>G on the coding strand, the complement: FBN2 is on the minus strand). VCF-style: chr5-128408677-T-C. GRCh37 (hg19) VCF-style: chr5-127744370-T-C.
Other names: short protein forms I359V.
Identifiers: ClinVar variation 2164529 (VCV002164529.4), dbSNP rs2479482101, ClinGen allele CA360753104.
Genomic context (GRCh38, chr5:128,408,677, plus strand): 5'-GGCTGTTTTGTCATTATAAAGACCCAGTGTATTGAGCCTTCAAAATGCGAGGCTTACCGA[T>C]GCATCGAGAGCCATCTGTTGAGGTTACATATCCACGTGGACAAACACAAAAATAGCTTCC-3'
Protein context (NP_001990.2, residues 349-369): YVTSTDGSRC[Ile359Val]DQRTGMCFSG